The following is an entry in ClinVar:

ClinVar aggregate classification (germline): Uncertain significance (1 of 4 stars; one submission).

gnomAD v4.1: 51 of 1,573,226 alleles (0.0032%); highest among the groups gnomAD compares: East Asian, 0.1%; no homozygotes.

Submission:

Women's Health and Genetics/Laboratory Corporation of America, LabCorp
Classification: Uncertain significance. Last evaluated: 2024-05-24. Review status: criteria provided, single submitter. Criteria: LabCorp Variant Classification Summary - May 2015. Collection method: clinical testing. Allele origin: germline.
Comment: Variant summary: C2CD3 c.4001-5G>T alters a non-conserved nucleotide located close to a canonical splice site and therefore could affect mRNA splicing, leading to a significantly altered protein sequence. Consensus agreement among computation tools predict no significant impact on normal splicing. However, these predictions have yet to be confirmed by functional studies. The variant allele was found at a frequency of 3.2e-05 in 1573226 control chromosomes (gnomAD). To our knowledge, no occurrence of c.4001-5G>T in individuals affected with Orofaciodigital Syndrome Type 14 and no experimental evidence demonstrating its impact on protein function have been reported. No submitters have cited clinical-significance assessments for this variant to ClinVar. Based on the evidence outlined above, the variant was classified as uncertain significance.

NM_001286577.2(C2CD3):c.4001-5G>T

Gene: C2CD3 (C2 domain containing 3 centriole elongation regulator; minus strand). Cytogenetic location: 11q13.4.
Variant type: single nucleotide variant.
Coding change: c.4001-5G>T on transcript NM_001286577.2 (MANE Select); 5 bases into the intron before coding-DNA position 4001, G replaced by T.
Molecular consequence: intron variant.
Genome position (GRCh38, 1-based): chr11:74,078,722, C>A on the plus strand (G>T on the coding strand, the complement: C2CD3 is on the minus strand). VCF-style: chr11-74078722-C-A. GRCh37 (hg19) VCF-style: chr11-73789767-C-A.
Other names: c.4001-5G>T (NM_015531.6).
Identifiers: ClinVar variation 3336398 (VCV003336398.1).
Genomic context (GRCh38, chr11:74,078,722, plus strand): 5'-GCCATGAGGTAGGCCCCCGTCTTCTGGTAAAATGATAGGATACCATCCTGTGATCCCTTA[C>A]GGGAGAAAATAAAGATTCTCAATTATAGTCTTAAAAGTAAACAAAAAACAAGTTACTTAC-3'